The following is an entry in ClinVar:

NM_024675.4(PALB2):c.1082C>T (p.Thr361Ile)

Gene: PALB2 (partner and localizer of BRCA2; minus strand). Cytogenetic location: 16p12.2.
Variant type: single nucleotide variant.
Coding change: c.1082C>T on transcript NM_024675.4 (MANE Select); coding-DNA position 1082, C replaced by T.
Protein change: p.Thr361Ile; replaces threonine 361 with isoleucine.
Molecular consequence: missense variant.
Genome position (GRCh38, 1-based): chr16:23,635,464, G>A on the plus strand (C>T on the coding strand, the complement: PALB2 is on the minus strand). VCF-style: chr16-23635464-G-A. GRCh37 (hg19) VCF-style: chr16-23646785-G-A.
Other names: short protein forms T361I.
Identifiers: ClinVar variation 1486386 (VCV001486386.11), dbSNP rs1345668733, ClinGen allele CA395133934.

ClinVar aggregate classification (germline): Uncertain significance. Review status: criteria provided, multiple submitters, no conflicts (2 of 4 stars). 3 submissions from 3 submitters: Uncertain significance (3). Last evaluated 2025-10-15.

Conditions:
Hereditary cancer-predisposing syndrome. Also called: Hereditary neoplastic syndrome; Neoplastic Syndromes, Hereditary; Hereditary Cancer Syndrome; Tumor predisposition. Identifiers: Orphanet 140162, MedGen C0027672, MeSH D009386, MONDO:0015356.
Familial cancer of breast. Also called: Hereditary breast cancer; BREAST CANCER, FAMILIAL; hereditary breast carcinoma. Identifiers: Orphanet 227535, MedGen C0346153, MONDO:0016419, OMIM 114480. Disease mechanism: loss of function.

Submissions (3):

Labcorp Genetics (formerly Invitae), Labcorp
Classification: Uncertain significance for Familial cancer of breast. Last evaluated: 2025-10-15. Review status: criteria provided, single submitter. Criteria: Invitae Variant Classification Sherloc (09022015). Collection method: clinical testing. Allele origin: germline.
Comment: This sequence change replaces threonine, which is neutral and polar, with isoleucine, which is neutral and non-polar, at codon 361 of the PALB2 protein (p.Thr361Ile). This variant is not present in population databases (gnomAD no frequency). This variant has not been reported in the literature in individuals affected with PALB2-related conditions. ClinVar contains an entry for this variant (Variation ID: 1486386). Invitae Evidence Modeling of protein sequence and biophysical properties (such as structural, functional, and spatial information, amino acid conservation, physicochemical variation, residue mobility, and thermodynamic stability) indicates that this missense variant is not expected to disrupt PALB2 protein function with a negative predictive value of 80%. In summary, the available evidence is currently insufficient to determine the role of this variant in disease. Therefore, it has been classified as a Variant of Uncertain Significance.

Ambry Genetics
Classification: Uncertain significance for Hereditary cancer-predisposing syndrome. Last evaluated: 2024-10-17. Review status: criteria provided, single submitter. Criteria: Ambry Variant Classification Scheme 2023. Collection method: clinical testing. Allele origin: germline.
Comment: The p.T361I variant (also known as c.1082C>T), located in coding exon 4 of the PALB2 gene, results from a C to T substitution at nucleotide position 1082. The threonine at codon 361 is replaced by isoleucine, an amino acid with similar properties. This amino acid position is poorly conserved in available vertebrate species. In addition, this alteration is predicted to be tolerated by in silico analysis. Since supporting evidence is limited at this time, the clinical significance of this alteration remains unclear.

St. Jude Molecular Pathology, St. Jude Children's Research Hospital
Classification: Uncertain significance for Familial cancer of breast. Last evaluated: 2024-01-22. Review status: criteria provided, single submitter. Criteria: St. Jude Assertion Criteria 2020. Collection method: clinical testing. Allele origin: germline.
Comment: The PALB2 c.1082C>T (p.Thr361Ile) missense change is absent in gnomAD v2.1.1. The in silico tool REVEL predicts a benign effect on protein function, but to our knowledge this prediction has not been confirmed by functional studies. To our knowledge, this variant has not been reported in individuals with PALB2-associated conditions. In summary, the evidence currently available is insufficient to determine the clinical significance of this variant. It has therefore been classified as of uncertain significance.